The following is an entry in ClinVar:

ClinVar aggregate classification (germline): Uncertain significance (1 of 4 stars; one submission).

Conditions:
Immunodeficiency 39 (IMD39). Identifiers: Orphanet 574918, MedGen C4225358, MONDO:0014597, OMIM 616345.

gnomAD v4.1: 15 of 1,612,592 alleles (0.00093%); highest among the groups gnomAD compares: East Asian, 0.0022%; no homozygotes.

Submission:

Labcorp Genetics (formerly Invitae), Labcorp
Classification: Uncertain significance for Immunodeficiency 39. Last evaluated: 2024-07-29. Review status: criteria provided, single submitter. Criteria: Invitae Variant Classification Sherloc (09022015). Collection method: clinical testing. Allele origin: germline.
Comment: This sequence change replaces glycine, which is neutral and non-polar, with arginine, which is basic and polar, at codon 235 of the IRF7 protein (p.Gly235Arg). This variant is present in population databases (rs746001143, gnomAD 0.0009%). This variant has not been reported in the literature in individuals affected with IRF7-related conditions. Advanced modeling of protein sequence and biophysical properties (such as structural, functional, and spatial information, amino acid conservation, physicochemical variation, residue mobility, and thermodynamic stability) performed at Invitae indicates that this missense variant is not expected to disrupt IRF7 protein function with a negative predictive value of 80%. In summary, the available evidence is currently insufficient to determine the role of this variant in disease. Therefore, it has been classified as a Variant of Uncertain Significance.

NM_001572.5(IRF7):c.664G>A (p.Gly222Arg)

Gene: IRF7 (interferon regulatory factor 7; minus strand). Cytogenetic location: 11p15.5.
Variant type: single nucleotide variant.
Coding change: c.664G>A on transcript NM_001572.5 (MANE Select); coding-DNA position 664, G replaced by A.
Protein change: p.Gly222Arg; replaces glycine 222 with arginine.
Molecular consequence: missense variant.
Genome position (GRCh38, 1-based): chr11:614,189, C>T on the plus strand (G>A on the coding strand, the complement: IRF7 is on the minus strand). VCF-style: chr11-614189-C-T. GRCh37 (hg19) VCF-style: chr11-614189-C-T.
Other names: c.664G>A, p.Gly222Arg (NM_004029.4); c.703G>A, p.Gly235Arg (NM_004031.4); short protein forms G235R, G222R.
Identifiers: ClinVar variation 3642633 (VCV003642633.2).